The following is an entry in ClinVar:

NM_032119.4(ADGRV1):c.1411G>C (p.Val471Leu)

Gene: ADGRV1 (adhesion G protein-coupled receptor V1; plus strand). Cytogenetic location: 5q14.3.
Variant type: single nucleotide variant.
Coding change: c.1411G>C on transcript NM_032119.4 (MANE Select); coding-DNA position 1411, G replaced by C.
Protein change: p.Val471Leu; replaces valine 471 with leucine.
Molecular consequence: missense variant. On other transcripts: non-coding transcript variant (1).
Genome position (GRCh38, 1-based): chr5:90,628,734, G>C. VCF-style: chr5-90628734-G-C. GRCh37 (hg19) VCF-style: chr5-89924551-G-C.
Other names: short protein forms V471L.
Identifiers: ClinVar variation 282739 (VCV000282739.19), dbSNP rs190427962, ClinGen allele CA3338684.
Genomic context (GRCh38, chr5:90,628,734, plus strand): 5'-CCGAGCTCTGGAGTTCTCCATTTTGCACAAGGGCAGATGTTGGCAACAATTCCTCTTACT[G>C]TGGTTGATGATGATCTTCCAGAAGAGGCAGAAGCTTATCTACTTCAAATTCTGCCTCATA-3'
Protein context (NP_115495.3, residues 461-481): GQMLATIPLT[Val471Leu]VDDDLPEEAE

ClinVar aggregate classification (germline): Conflicting classifications of pathogenicity. Review status: criteria provided, conflicting classifications (1 of 4 stars). 6 submissions from 6 submitters: Uncertain significance (5); Likely benign (1). Last evaluated 2026-01-04.

Conditions:
ADGRV1-related disorder. Also called: ADGRV1-related disorders; ADGRV1-related condition.
Usher syndrome type 2C. Also called: USHER SYNDROME, TYPE IIC; Usher syndrome, type 2B. Identifiers: Orphanet 231178, Orphanet 886, MedGen C2931213, MONDO:0011558, OMIM 605472.

Allele frequency attached by ClinVar (database versions not stated): gnomAD exomes 0.00002; ExAC 0.00003; gnomAD 0.00009 and 0.00010; TOPMed 0.00016; 1000 Genomes Project 30x 0.00031; ESP Exome Variant Server 0.00033; 1000 Genomes Project 0.00040.
gnomAD v4.1: 26 of 1,613,982 alleles (0.0016%); highest among the groups gnomAD compares: African/African-American, 0.024%; no homozygotes.

Submissions (6):

Labcorp Genetics (formerly Invitae), Labcorp
Classification: Likely benign. Last evaluated: 2026-01-04. Review status: criteria provided, single submitter. Criteria: Invitae Variant Classification Sherloc (09022015). Collection method: clinical testing. Allele origin: germline.

GeneDx
Classification: Uncertain significance. Last evaluated: 2025-08-21. Review status: criteria provided, single submitter. Criteria: GeneDx Variant Classification Process June 2021. Collection method: clinical testing. Allele origin: germline. Affected: yes.
Comment: In silico analysis suggests that this missense variant does not alter protein structure/function; Has not been previously published as pathogenic or benign to our knowledge

PreventionGenetics, part of Exact Sciences
Classification: Uncertain significance for ADGRV1-related condition. Last evaluated: 2025-03-19. Review status: criteria provided, single submitter. Criteria: ACMG Guidelines, 2015. Collection method: clinical testing. Allele origin: germline.
Comment: The ADGRV1 c.1411G>C variant is predicted to result in the amino acid substitution p.Val471Leu. To our knowledge, this variant has not been reported in the literature. This variant is reported in 0.029% of alleles in individuals of African descent in gnomAD. The gnomAD co-occurrence algorithm predicts that this variant and the c.5264C>T (p.Ala1755Val) variant are part of the same haplotype. At this time, the clinical significance of this variant is uncertain due to the absence of conclusive functional and genetic evidence.

Blueprint Genetics
Classification: Uncertain significance. Last evaluated: 2022-05-25. Review status: criteria provided, single submitter. Criteria: ACMG Guidelines, 2015. Collection method: clinical testing. Allele origin: germline.

Baylor Genetics
Classification: Uncertain significance for Usher syndrome type 2C. Last evaluated: 2019-11-07. Review status: criteria provided, single submitter. Criteria: ACMG Guidelines, 2015. Collection method: clinical testing. Allele origin: unknown. Affected: yes.
Comment: This variant was determined to be of uncertain significance according to ACMG Guidelines, 2015 [PMID:25741868].

Eurofins Ntd Llc (ga)
Classification: Uncertain significance. Last evaluated: 2017-07-14. Review status: criteria provided, single submitter. Criteria: EGL Classification Definitions 2015. Collection method: clinical testing. Allele origin: germline. Observed: 2 variant alleles, 2 heterozygotes.